The following is an entry in ClinVar:

ClinVar aggregate classification (germline): Uncertain significance (1 of 4 stars; one submission).

Conditions:
Hereditary cancer-predisposing syndrome. Also called: Neoplastic Syndromes, Hereditary; Tumor predisposition; Hereditary neoplastic syndrome; Hereditary Cancer Syndrome. Identifiers: Orphanet 140162, MedGen C0027672, MeSH D009386, MONDO:0015356.

Allele frequency attached by ClinVar (database versions not stated): gnomAD exomes below 0.00001.
gnomAD v4.1: 1 of 1,614,214 alleles (0.000062%); highest among the groups gnomAD compares: Non-Finnish European, 0.000085%; no homozygotes.

Submission:

Ambry Genetics
Classification: Uncertain significance for Hereditary cancer-predisposing syndrome. Last evaluated: 2024-02-22. Review status: criteria provided, single submitter. Criteria: Ambry Variant Classification Scheme 2023. Collection method: clinical testing. Allele origin: germline.
Comment: The p.S895L variant (also known as c.2684C>T), located in coding exon 15 of the APC gene, results from a C to T substitution at nucleotide position 2684. The serine at codon 895 is replaced by leucine, an amino acid with dissimilar properties. This amino acid position is well conserved in available vertebrate species. Based on the available evidence, the clinical significance of this alteration remains unclear.

NM_000038.6(APC):c.2684C>T (p.Ser895Leu)

Gene: APC (APC regulator of Wnt signaling pathway; plus strand). Cytogenetic location: 5q22.2.
Variant type: single nucleotide variant.
Coding change: c.2684C>T on transcript NM_000038.6 (MANE Select); coding-DNA position 2684, C replaced by T.
Protein change: p.Ser895Leu; replaces serine 895 with leucine.
Molecular consequence: missense variant. On other transcripts: non-coding transcript variant (2).
Genome position (GRCh38, 1-based): chr5:112,838,278, C>T. VCF-style: chr5-112838278-C-T. GRCh37 (hg19) VCF-style: chr5-112173975-C-T.
Other names: c.2609C>T, p.Ser870Leu (NM_001354898.2); c.2600C>T, p.Ser867Leu (NM_001354899.2); c.2561C>T, p.Ser854Leu (NM_001354900.2); c.2507C>T, p.Ser836Leu (NM_001354901.2, NM_001407453.1); c.2411C>T, p.Ser804Leu (NM_001354902.2); c.2381C>T, p.Ser794Leu (NM_001354903.2, NM_001407458.1, NM_001407459.1 and 1 more transcripts); c.2306C>T, p.Ser769Leu (NM_001354904.2); c.2204C>T, p.Ser735Leu (NM_001354905.2); and 11 more; short protein forms S511L, S612L, S735L, S766L, S769L, S794L, S804L, S812L.
Identifiers: ClinVar variation 3226012 (VCV003226012.1), dbSNP rs2149875189, ClinGen allele CA16027194.